The following is an entry in ClinVar:

NM_004820.5(CYP7B1):c.815A>G (p.Glu272Gly)

Gene: CYP7B1 (cytochrome P450 family 7 subfamily B member 1; minus strand). Cytogenetic location: 8q12.3.
Variant type: single nucleotide variant.
Coding change: c.815A>G on transcript NM_004820.5 (MANE Select); coding-DNA position 815, A replaced by G.
Protein change: p.Glu272Gly; replaces glutamic acid 272 with glycine.
Molecular consequence: missense variant.
Genome position (GRCh38, 1-based): chr8:64,615,726, T>C on the plus strand (A>G on the coding strand, the complement: CYP7B1 is on the minus strand). VCF-style: chr8-64615726-T-C. GRCh37 (hg19) VCF-style: chr8-65528283-T-C.
Other names: c.815A>G, p.Glu272Gly (NM_001324112.2); short protein forms E272G.
Identifiers: ClinVar variation 663272 (VCV000663272.8), dbSNP rs1585808076, ClinGen allele CA371334909.

ClinVar aggregate classification (germline): Uncertain significance (1 of 4 stars; one submission).

Conditions:
Spastic paraplegia. Identifiers: MedGen C0037772, HP:0001258.

Submission:

Labcorp Genetics (formerly Invitae), Labcorp
Classification: Uncertain significance for Spastic paraplegia. Last evaluated: 2018-08-12. Review status: criteria provided, single submitter. Criteria: Invitae Variant Classification Sherloc (09022015). Collection method: clinical testing. Allele origin: germline.
Comment: This sequence change replaces glutamic acid with glycine at codon 272 of the CYP7B1 protein (p.Glu272Gly). The glutamic acid residue is highly conserved and there is a moderate physicochemical difference between glutamic acid and glycine. This variant is not present in population databases (ExAC no frequency). This variant has not been reported in the literature in individuals with CYP7B1-related disease. Algorithms developed to predict the effect of missense changes on protein structure and function are either unavailable or do not agree on the potential impact of this missense change (SIFT: "Deleterious"; PolyPhen-2: "Probably Damaging"; Align-GVGD: "Class C15"). In summary, the available evidence is currently insufficient to determine the role of this variant in disease. Therefore, it has been classified as a Variant of Uncertain Significance.